The following is an entry in ClinVar:

NM_078629.4(MSL3):c.973_974del (p.Gln326fs)

Gene: MSL3 (MSL complex subunit 3; plus strand). Cytogenetic location: Xp22.2.
Variant type: Microsatellite.
Coding change: c.973_974del on transcript NM_078629.4 (MANE Select); coding-DNA positions 973 to 974, 2 bases deleted (AG; older notation c.973_974delAG).
Protein change: p.Gln326fs; shifts the reading frame from glutamine 326.
Molecular consequence: frameshift variant.
Genome position (GRCh38, 1-based): chrX:11,765,531-11,765,532, AG deleted; deleting any 2 consecutive bases within chrX:11,765,527-11,765,532 gives the same sequence; the c. name uses the placement nearest the transcript's 3' end. VCF-style (leftmost placement, unchanged base first): chrX-11765526-CAG-C. GRCh37 (hg19) VCF-style: chrX-11783645-CAG-C.
Other names: c.937_938del, p.Gln314fs (NM_001193270.2); c.526_527del, p.Gln177fs (NM_001282174.1); c.475_476del, p.Gln160fs (NM_006800.4); c.973_974del, p.Gln326fs (NM_078628.2); c.475_476del (NM_006800.3); short protein forms Q160fs, Q177fs, Q314fs, Q326fs.
Identifiers: ClinVar variation 1707503 (VCV001707503.3), dbSNP rs1601769604, ClinGen allele CA2573105889.

ClinVar aggregate classification (germline): Pathogenic. Review status: criteria provided, multiple submitters, no conflicts (2 of 4 stars). 3 submissions from 3 submitters: Pathogenic (3). Last evaluated 2023-05-23.

Conditions:
Basilicata-Akhtar syndrome. Also called: MENTAL RETARDATION, X-LINKED, SYNDROMIC, BASILICATA-AKHTAR TYPE; INTELLECTUAL DEVELOPMENTAL DISORDER, X-LINKED, SYNDROMIC, 36. Identifiers: MedGen C5231394, MONDO:0026730, OMIM 301032.

Submissions (3):

GeneDx
Classification: Pathogenic. Last evaluated: 2023-05-23. Review status: criteria provided, single submitter. Criteria: GeneDx Variant Classification Process June 2021. Collection method: clinical testing. Allele origin: germline. Affected: yes.
Comment: Frameshift variant predicted to result in protein truncation or nonsense mediated decay in a gene for which loss of function is a known mechanism of disease; Not observed at significant frequency in large population cohorts (gnomAD); This variant is associated with the following publications: (PMID: 33173220)

Institute of Human Genetics, University of Leipzig Medical Center
Classification: Pathogenic for Basilicata-Akhtar syndrome. Last evaluated: 2022-08-02. Review status: criteria provided, single submitter. Criteria: ACMG Guidelines, 2015. Collection method: clinical testing. Allele origin: de novo. Affected: yes.
Comment: This variant was identified as de novo (maternity and paternity confirmed)._x000D_ Criteria applied: PVS1, PM2_SUP, PS2, PS4_SUP

Clinical Genetics Laboratory, Skane University Hospital Lund
Classification: Pathogenic. Last evaluated: 2022-05-27. Review status: criteria provided, single submitter. Criteria: ACMG Guidelines, 2015. Collection method: clinical testing. Allele origin: germline. Affected: yes.